The following is an entry in ClinVar:

ClinVar aggregate classification (germline): Uncertain significance (1 of 4 stars; one submission).

Submission:

Labcorp Genetics (formerly Invitae), Labcorp
Classification: Uncertain significance. Last evaluated: 2025-04-14. Review status: criteria provided, single submitter. Criteria: Invitae Variant Classification Sherloc (09022015). Collection method: clinical testing. Allele origin: germline.
Comment: This sequence change replaces valine, which is neutral and non-polar, with aspartic acid, which is acidic and polar, at codon 1995 of the SCN3A protein (p.Val1995Asp). This variant is not present in population databases (gnomAD no frequency). This variant has not been reported in the literature in individuals affected with SCN3A-related conditions. ClinVar contains an entry for this variant (Variation ID: 1720758). Invitae Evidence Modeling of protein sequence and biophysical properties (such as structural, functional, and spatial information, amino acid conservation, physicochemical variation, residue mobility, and thermodynamic stability) indicates that this missense variant is not expected to disrupt SCN3A protein function with a negative predictive value of 95%. In summary, the available evidence is currently insufficient to determine the role of this variant in disease. Therefore, it has been classified as a Variant of Uncertain Significance.

NM_006922.4(SCN3A):c.5984T>A (p.Val1995Asp)

Gene: SCN3A (sodium voltage-gated channel alpha subunit 3; minus strand). Cytogenetic location: 2q24.3.
Variant type: single nucleotide variant.
Coding change: c.5984T>A on transcript NM_006922.4 (MANE Select); coding-DNA position 5984, T replaced by A.
Protein change: p.Val1995Asp; replaces valine 1995 with aspartic acid.
Molecular consequence: missense variant.
Genome position (GRCh38, 1-based): chr2:165,090,169, A>T on the plus strand (T>A on the coding strand, the complement: SCN3A is on the minus strand). VCF-style: chr2-165090169-A-T. GRCh37 (hg19) VCF-style: chr2-165946679-A-T.
Other names: c.5837T>A, p.Val1946Asp (NM_001081676.2, NM_001081677.2); short protein forms V1946D, V1995D.
Identifiers: ClinVar variation 1720758 (VCV001720758.5), dbSNP rs1372359509, ClinGen allele CA349008809.